The following is an entry in ClinVar:

ClinVar aggregate classification (germline): Uncertain significance. Review status: criteria provided, multiple submitters, no conflicts (2 of 4 stars). 2 submissions from 2 submitters: Uncertain significance (2). Last evaluated 2024-11-07.

Conditions:
Immunodeficiency 51 (IMD51). Also called: CANDIDIASIS, FAMILIAL, 5. Identifiers: Orphanet 1334, MedGen C4310803, MONDO:0013500, OMIM 613953.

Allele frequency attached by ClinVar (database versions not stated): ExAC 0.00003; gnomAD 0.00003 and 0.00004; gnomAD exomes 0.00004; TOPMed 0.00006; 1000 Genomes Project 0.00020; 1000 Genomes Project 30x 0.00031.
gnomAD v4.1: 59 of 1,614,022 alleles (0.0037%); highest among the groups gnomAD compares: Middle Eastern, 0.033%; no homozygotes.

Submissions (2):

Ambry Genetics
Classification: Uncertain significance. Last evaluated: 2024-11-07. Review status: criteria provided, single submitter. Criteria: Ambry Variant Classification Scheme 2023. Collection method: clinical testing. Allele origin: germline.

Labcorp Genetics (formerly Invitae), Labcorp
Classification: Uncertain significance for Immunodeficiency 51. Last evaluated: 2024-10-22. Review status: criteria provided, single submitter. Criteria: Invitae Variant Classification Sherloc (09022015). Collection method: clinical testing. Allele origin: germline.
Comment: This sequence change replaces proline, which is neutral and non-polar, with arginine, which is basic and polar, at codon 389 of the IL17RA protein (p.Pro389Arg). This variant is present in population databases (rs561656428, gnomAD 0.02%). This variant has not been reported in the literature in individuals affected with IL17RA-related conditions. ClinVar contains an entry for this variant (Variation ID: 659771). Invitae Evidence Modeling of protein sequence and biophysical properties (such as structural, functional, and spatial information, amino acid conservation, physicochemical variation, residue mobility, and thermodynamic stability) has been performed for this missense variant. However, the output from this modeling did not meet the statistical confidence thresholds required to predict the impact of this variant on IL17RA protein function. In summary, the available evidence is currently insufficient to determine the role of this variant in disease. Therefore, it has been classified as a Variant of Uncertain Significance.

NM_014339.7(IL17RA):c.1166C>G (p.Pro389Arg)

Gene: IL17RA (interleukin 17 receptor A; plus strand). Cytogenetic location: 22q11.1.
Variant type: single nucleotide variant.
Coding change: c.1166C>G on transcript NM_014339.7 (MANE Select); coding-DNA position 1166, C replaced by G.
Protein change: p.Pro389Arg; replaces proline 389 with arginine.
Molecular consequence: missense variant.
Genome position (GRCh38, 1-based): chr22:17,108,385, C>G. VCF-style: chr22-17108385-C-G. GRCh37 (hg19) VCF-style: chr22-17589275-C-G.
Other names: c.1064C>G, p.Pro355Arg (NM_001289905.2); c.1166C>G (NM_014339.5); short protein forms P355R, P389R.
Identifiers: ClinVar variation 659771 (VCV000659771.8), dbSNP rs561656428, ClinGen allele CA10086686.